The following is an entry in ClinVar:

ClinVar aggregate classification (germline): Pathogenic. Review status: criteria provided, single submitter (1 of 4 stars). 2 submissions from 2 submitters: Pathogenic (1). 1 of the submissions does not count toward it. Last evaluated 2025-07-30.

Conditions:
Hereditary factor VIII deficiency disease (HEMA). Also called: HEMOPHILIA, CLASSIC; AUTOSOMAL HEMOPHILIA A; Hemophilia A; Hemophilia A, congenital; HEM A; Factor 8 deficiency, congenital. Identifiers: Orphanet 98878, MedGen C0019069, MONDO:0010602, OMIM 306700.

Allele frequency attached by ClinVar (database versions not stated): TOPMed 0.00010.

Submissions (2):

Women's Health and Genetics/Laboratory Corporation of America, LabCorp
Classification: Pathogenic for Hereditary factor VIII deficiency disease. Last evaluated: 2025-07-30. Review status: criteria provided, single submitter. Criteria: LabCorp Variant Classification Summary - May 2015. Collection method: clinical testing. Allele origin: germline.
Comment: Variant summary: F8 c.901C>T (p.Arg301Cys) results in a non-conservative amino acid change in the encoded protein sequence. Algorithms developed to predict the effect of missense changes on protein structure and function all suggest that this variant is likely to be disruptive. The variant was absent in 183259 control chromosomes. c.901C>T has been observed in multiple individuals affected with Factor VIII Deficiency (Hemophilia A) (examples, Awidi_2009, Kang_2021). These data indicate that the variant is very likely to be associated with disease. To our knowledge, no experimental evidence demonstrating an impact on protein function has been reported. The following publications have been ascertained in the context of this evaluation (PMID: 19817879, 32897612). ClinVar contains an entry for this variant (Variation ID: 1684376). Based on the evidence outlined above, the variant was classified as pathogenic.

ISTH-SSC Genomics in Thrombosis and Hemostasis, KU Leuven, Center for Molecular and Vascular Biology
Classification: Likely pathogenic for Hereditary factor VIII deficiency disease. Review status: no assertion criteria provided. Collection method: research. Allele origin: unknown. Affected: yes. Not counted in ClinVar's aggregate classification.
Comment: Submitted to GoldVariant by Dr Karyn Mégy from NIHR Bioresource - Cambridge University, UK

Literature cited by the submitters: PubMed 32897612 (cited by Women's Health and Genetics/Laboratory Corporation of America, LabCorp); PubMed 19817879 (cited by Women's Health and Genetics/Laboratory Corporation of America, LabCorp).

NM_000132.4(F8):c.901C>T (p.Arg301Cys)

Gene: F8 (coagulation factor VIII; minus strand). Cytogenetic location: Xq28.
Variant type: single nucleotide variant.
Coding change: c.901C>T on transcript NM_000132.4 (MANE Select); coding-DNA position 901, C replaced by T.
Protein change: p.Arg301Cys; replaces arginine 301 with cysteine.
Molecular consequence: missense variant.
Genome position (GRCh38, 1-based): chrX:154,969,439, G>A on the plus strand (C>T on the coding strand, the complement: F8 is on the minus strand). VCF-style: chrX-154969439-G-A. GRCh37 (hg19) VCF-style: chrX-154197714-G-A.
Other names: short protein forms R301C.
Identifiers: ClinVar variation 1684376 (VCV001684376.2), dbSNP rs1401805753, ClinGen allele CA414917990.